The following is an entry in ClinVar:

ClinVar aggregate classification (germline): Uncertain significance (1 of 4 stars; one submission).

Conditions:
Hereditary spastic paraplegia 3A (SPG3A). Also called: Spastic paraplegia 3A, autosomal dominant; SPASTIC PARAPLEGIA 3, AUTOSOMAL DOMINANT; FAMILIAL SPASTIC PARAPLEGIA, AUTOSOMAL DOMINANT, 1; SPG3; STRUMPELL DISEASE; Spastic Paraplegia 3A. Identifiers: Orphanet 100984, MedGen C2931355, MONDO:0008437, OMIM 182600.

Submission:

Labcorp Genetics (formerly Invitae), Labcorp
Classification: Uncertain significance for Hereditary spastic paraplegia 3A. Last evaluated: 2022-07-15. Review status: criteria provided, single submitter. Criteria: Invitae Variant Classification Sherloc (09022015). Collection method: clinical testing. Allele origin: germline.
Comment: In summary, the available evidence is currently insufficient to determine the role of this variant in disease. Therefore, it has been classified as a Variant of Uncertain Significance. Advanced modeling of protein sequence and biophysical properties (such as structural, functional, and spatial information, amino acid conservation, physicochemical variation, residue mobility, and thermodynamic stability) performed at Invitae indicates that this missense variant is not expected to disrupt ATL1 protein function. This variant has not been reported in the literature in individuals affected with ATL1-related conditions. This variant is not present in population databases (gnomAD no frequency). This sequence change replaces methionine, which is neutral and non-polar, with arginine, which is basic and polar, at codon 558 of the ATL1 protein (p.Met558Arg).

NM_015915.5(ATL1):c.1673T>G (p.Met558Arg)

Gene: ATL1 (atlastin GTPase 1; plus strand). Cytogenetic location: 14q22.1.
Variant type: single nucleotide variant.
Coding change: c.1673T>G on transcript NM_015915.5 (MANE Select); coding-DNA position 1673, T replaced by G.
Protein change: p.Met558Arg; replaces methionine 558 with arginine.
Molecular consequence: missense variant.
Genome position (GRCh38, 1-based): chr14:50,632,335, T>G. VCF-style: chr14-50632335-T-G. GRCh37 (hg19) VCF-style: chr14-51099053-T-G.
Other names: c.1658T>G, p.Met553Arg (NM_001127713.1, NM_181598.4); short protein forms M553R, M558R.
Identifiers: ClinVar variation 1713564 (VCV001713564.5), dbSNP rs1351389277, ClinGen allele CA389679115.